The following is an entry in ClinVar:

ClinVar aggregate classification (germline): Uncertain significance (1 of 4 stars; one submission).

Conditions:
Hereditary spastic paraplegia 11. Also called: SPASTIC PARAPLEGIA, AUTOSOMAL RECESSIVE, COMPLICATED, WITH THIN CORPUS CALLOSUM; SPASTIC PARAPLEGIA, AUTOSOMAL RECESSIVE, WITH MENTAL IMPAIRMENT AND THIN CORPUS CALLOSUM; Spastic paraplegia, mental retardation and thin corpus callosum; Nakamura Osame syndrome; Autosomal recessive hereditary spastic paraplegia, mental impairment, and thin corpus callosum; Spastic Paraplegia 11. Identifiers: Orphanet 2822, MedGen C1858479, MONDO:0011445, OMIM 604360.

Submission:

Labcorp Genetics (formerly Invitae), Labcorp
Classification: Uncertain significance for Hereditary spastic paraplegia 11. Last evaluated: 2021-08-24. Review status: criteria provided, single submitter. Criteria: Invitae Variant Classification Sherloc (09022015). Collection method: clinical testing. Allele origin: germline.
Comment: This sequence change replaces glutamine with proline at codon 1785 of the SPG11 protein (p.Gln1785Pro). The glutamine residue is moderately conserved and there is a moderate physicochemical difference between glutamine and proline. This variant is not present in population databases (ExAC no frequency). This variant has not been reported in the literature in individuals affected with SPG11-related conditions. Algorithms developed to predict the effect of missense changes on protein structure and function are either unavailable or do not agree on the potential impact of this missense change (SIFT: "Deleterious"; PolyPhen-2: "Probably Damaging"; Align-GVGD: "Class C15"). In summary, the available evidence is currently insufficient to determine the role of this variant in disease. Therefore, it has been classified as a Variant of Uncertain Significance.

NM_025137.4(SPG11):c.5354A>C (p.Gln1785Pro)

Gene: SPG11 (SPG11 vesicle trafficking associated, spatacsin; minus strand). Cytogenetic location: 15q21.1.
Variant type: single nucleotide variant.
Coding change: c.5354A>C on transcript NM_025137.4 (MANE Select); coding-DNA position 5354, A replaced by C.
Protein change: p.Gln1785Pro; replaces glutamine 1785 with proline.
Molecular consequence: missense variant.
Genome position (GRCh38, 1-based): chr15:44,584,326, T>G on the plus strand (A>C on the coding strand, the complement: SPG11 is on the minus strand). VCF-style: chr15-44584326-T-G. GRCh37 (hg19) VCF-style: chr15-44876524-T-G.
Other names: c.5354A>C, p.Gln1785Pro (NM_001160227.2); short protein forms Q1785P.
Identifiers: ClinVar variation 657677 (VCV000657677.6), dbSNP rs1050403502, ClinGen allele CA392222728.